The following is an entry in ClinVar:

NM_001122769.3(LCA5):c.902G>A (p.Arg301His)

Gene: LCA5 (lebercilin LCA5; minus strand). Cytogenetic location: 6q14.1.
Variant type: single nucleotide variant.
Coding change: c.902G>A on transcript NM_001122769.3 (MANE Select); coding-DNA position 902, G replaced by A.
Protein change: p.Arg301His; replaces arginine 301 with histidine.
Molecular consequence: missense variant.
Genome position (GRCh38, 1-based): chr6:79,492,604, C>T on the plus strand (G>A on the coding strand, the complement: LCA5 is on the minus strand). VCF-style: chr6-79492604-C-T. GRCh37 (hg19) VCF-style: chr6-80202321-C-T.
Other names: c.902G>A, p.Arg301His (NM_181714.4); short protein forms R301H.
Identifiers: ClinVar variation 707487 (VCV000707487.22), dbSNP rs139142572, ClinGen allele CA3900984.
Genomic context (GRCh38, chr6:79,492,604, plus strand): 5'-ACCATACCATTTTTTCTTAATGCAAGTTCTTTCTCTTTATTTGGAGAGGACTTTGGCAGA[C>T]GATTAGAATATATATTTTTTATATCCAGTTCTCTCTCCTTTTCCTGAAAACAAACGCAAT-3'
Protein context (NP_001116241.1, residues 291-311): ELDIKNIYSN[Arg301His]LPKSSPNKEK

ClinVar aggregate classification (germline): Conflicting classifications of pathogenicity. Review status: criteria provided, conflicting classifications (1 of 4 stars). 6 submissions from 6 submitters: Uncertain significance (2); Likely benign (3). 1 of the submissions does not count toward it. Last evaluated 2026-02-02.

Conditions:
Leber congenital amaurosis (LCA). Also called: Leber's amaurosis. Identifiers: Orphanet 65, MedGen C0339527, MeSH D057130, MONDO:0018998.
LCA5-related disorder. Also called: LCA5-related condition.
Leber congenital amaurosis 5 (LCA5). Also called: Amaurosis congenita of Leber, type 5. Identifiers: Orphanet 65, MedGen C1858301, MONDO:0011473, OMIM 604537.

Allele frequency attached by ClinVar (database versions not stated): ESP Exome Variant Server 0.00039; TOPMed 0.00040; 1000 Genomes Project 0.00060; 1000 Genomes Project 30x 0.00062; gnomAD 0.00109.
gnomAD v4.1: 733 of 1,568,154 alleles (0.047%); highest among the groups gnomAD compares: Non-Finnish European, 0.045%; 1 homozygote.

Submissions (6):

Labcorp Genetics (formerly Invitae), Labcorp
Classification: Likely benign. Last evaluated: 2026-02-02. Review status: criteria provided, single submitter. Criteria: Invitae Variant Classification Sherloc (09022015). Collection method: clinical testing. Allele origin: germline.

PreventionGenetics, part of Exact Sciences
Classification: Likely benign for LCA5-related condition. Last evaluated: 2025-09-08. Review status: criteria provided, single submitter. Criteria: ACMG Guidelines, 2015. Collection method: clinical testing. Allele origin: germline.
Comment: This variant is classified as likely benign based on ACMG/AMP sequence variant interpretation guidelines (Richards et al. 2015 PMID: 25741868, with internal and published modifications).

Blueprint Genetics
Classification: Likely benign. Last evaluated: 2024-09-16. Review status: criteria provided, single submitter. Criteria: ACMG Guidelines, 2015. Collection method: clinical testing. Allele origin: germline.

GeneDx
Classification: Uncertain significance. Last evaluated: 2019-03-31. Review status: criteria provided, single submitter. Criteria: GeneDx Variant Classification Process June 2021. Collection method: clinical testing. Allele origin: germline. Affected: yes.
Comment: In silico analysis, which includes protein predictors and evolutionary conservation, supports a deleterious effect; Has not been previously published as pathogenic or benign to our knowledge

Illumina Laboratory Services, Illumina
Classification: Uncertain significance for Leber congenital amaurosis 5. Last evaluated: 2017-04-27. Review status: criteria provided, single submitter. Criteria: ICSL Variant Classification Criteria 13 December 2019. Collection method: clinical testing. Allele origin: germline.

Natera, Inc.
Classification: Uncertain significance for Leber congenital amaurosis. Last evaluated: 2019-11-11. Review status: no assertion criteria provided. Collection method: clinical testing. Allele origin: germline. Not counted in ClinVar's aggregate classification.